The following is an entry in ClinVar:

ClinVar aggregate classification (germline): Pathogenic/Likely pathogenic. Review status: criteria provided, multiple submitters, no conflicts (2 of 4 stars). 4 submissions from 4 submitters: Pathogenic (3); Likely pathogenic (1). Last evaluated 2025-12-09.

Conditions:
Hereditary cancer-predisposing syndrome. Also called: Tumor predisposition; Hereditary neoplastic syndrome; Neoplastic Syndromes, Hereditary; Hereditary Cancer Syndrome. Identifiers: Orphanet 140162, MedGen C0027672, MeSH D009386, MONDO:0015356.
Familial cancer of breast. Also called: Hereditary breast cancer; BREAST CANCER, FAMILIAL; hereditary breast carcinoma. Identifiers: Orphanet 227535, MedGen C0346153, MONDO:0016419, OMIM 114480. Disease mechanism: loss of function.

Allele frequency attached by ClinVar (database versions not stated): TOPMed below 0.00001.

Submissions (4):

Labcorp Genetics (formerly Invitae), Labcorp
Classification: Pathogenic for Familial cancer of breast. Last evaluated: 2025-12-09. Review status: criteria provided, single submitter. Criteria: Invitae Variant Classification Sherloc (09022015). Collection method: clinical testing. Allele origin: germline.
Comment: This sequence change creates a premature translational stop signal (p.Ser288Trpfs*11) in the BARD1 gene. It is expected to result in an absent or disrupted protein product. Loss-of-function variants in BARD1 are known to be pathogenic (PMID: 20077502, 21344236). This variant is not present in population databases (gnomAD no frequency). This variant has not been reported in the literature in individuals affected with BARD1-related conditions. ClinVar contains an entry for this variant (Variation ID: 2583582). For these reasons, this variant has been classified as Pathogenic.

Ambry Genetics
Classification: Pathogenic for Hereditary cancer-predisposing syndrome. Last evaluated: 2025-01-28. Review status: criteria provided, single submitter. Criteria: Ambry Variant Classification Scheme 2023. Collection method: clinical testing. Allele origin: germline.
Comment: The c.862_863insGG pathogenic mutation, located in coding exon 4 of the BARD1 gene, results from an insertion of two nucleotides at position 862, causing a translational frameshift with a predicted alternate stop codon (p.S288Wfs*11). This variant is considered to be rare based on population cohorts in the Genome Aggregation Database (gnomAD). This alteration is expected to result in loss of function by premature protein truncation or nonsense-mediated mRNA decay. As such, this alteration is interpreted as a disease-causing mutation.

Myriad Genetics, Inc.
Classification: Pathogenic for Familial cancer of breast. Last evaluated: 2023-05-19. Review status: criteria provided, single submitter. Criteria: Myriad Autosomal Dominant, Autosomal Recessive and X-Linked Classification Criteria (2023). Collection method: clinical testing. Allele origin: unknown.
Comment: This variant is considered pathogenic. This variant creates a frameshift predicted to result in premature protein truncation.

Baylor Genetics
Classification: Likely pathogenic for Familial cancer of breast. Last evaluated: 2023-05-02. Review status: criteria provided, single submitter. Criteria: ACMG Guidelines, 2015. Collection method: clinical testing. Allele origin: unknown.

Literature cited by the submitters: PubMed 20077502 (cited by Labcorp Genetics (formerly Invitae), Labcorp); PubMed 21344236 (cited by Labcorp Genetics (formerly Invitae), Labcorp).

NM_000465.4(BARD1):c.862_863insGG (p.Ser288fs)

Gene: BARD1 (BRCA1 associated RING domain 1; minus strand). Cytogenetic location: 2q35.
Variant type: Insertion.
Coding change: c.862_863insGG on transcript NM_000465.4 (MANE Select); coding-DNA positions 862 to 863, GG inserted.
Protein change: p.Ser288fs; shifts the reading frame from serine 288.
Molecular consequence: frameshift variant. On other transcripts: intron variant (3), non-coding transcript variant (2).
Genome position: GRCh38 VCF-style: chr2-214781011-G-GCC. GRCh37 (hg19) VCF-style: chr2-215645735-G-GCC.
Other names: c.862_863insGG (NM_000465.2); c.364+11285_364+11286insGG (NM_001282549.2); c.805_806insGG, p.Ser269fs (NM_001282543.2); c.158+28400_158+28401insGG (NM_001282548.2); c.215+16049_215+16050insGG (NM_001282545.2); short protein forms S269fs, S288fs.
Identifiers: ClinVar variation 2583582 (VCV002583582.5), dbSNP rs1478133549, ClinGen allele CA764544460.